The following is an entry in ClinVar:

ClinVar aggregate classification (germline): Uncertain significance (1 of 4 stars; one submission).

Conditions:
SCLT1-related disorder. Also called: SCLT1-related condition.

gnomAD v4.1: 21 of 1,558,624 alleles (0.0013%); highest among the groups gnomAD compares: Non-Finnish European, 0.0018%; no homozygotes.

Submission:

PreventionGenetics, part of Exact Sciences
Classification: Uncertain significance for SCLT1-related condition. Last evaluated: 2026-02-17. Review status: criteria provided, single submitter. Criteria: ACMG Guidelines, 2015. Collection method: clinical testing. Allele origin: germline.
Comment: The SCLT1 c.1057G>A variant is predicted to result in the amino acid substitution p.Glu353Lys. To our knowledge, this variant has not been reported in the literature. This variant is reported in 0.0016% of alleles in individuals of European (Non-Finnish) descent in gnomAD. At this time, the clinical significance of this variant is uncertain due to the absence of conclusive functional and genetic evidence.

NM_144643.4(SCLT1):c.1057G>A (p.Glu353Lys)

Gene: SCLT1 (sodium channel and clathrin linker 1; minus strand). Cytogenetic location: 4q28.2.
Variant type: single nucleotide variant.
Coding change: c.1057G>A on transcript NM_144643.4 (MANE Select); coding-DNA position 1057, G replaced by A.
Protein change: p.Glu353Lys; replaces glutamic acid 353 with lysine.
Molecular consequence: missense variant.
Genome position (GRCh38, 1-based): chr4:128,957,115, C>T on the plus strand (G>A on the coding strand, the complement: SCLT1 is on the minus strand). VCF-style: chr4-128957115-C-T. GRCh37 (hg19) VCF-style: chr4-129878270-C-T.
Other names: c.1057G>A, p.Glu353Lys (NM_001410807.1); short protein forms E353K.
Identifiers: ClinVar variation 4987716 (VCV004987716.1).